The following is an entry in ClinVar:

ClinVar aggregate classification (germline): Benign (1 of 4 stars; one submission).

Conditions:
Oligodontia-cancer predisposition syndrome. Also called: TOOTH AGENESIS-COLORECTAL CANCER SYNDROME. Identifiers: Orphanet 300576, MedGen C1837750, MONDO:0012075, OMIM 608615. Disease mechanism: loss of function.

Submission:

Myriad Genetics, Inc.
Classification: Benign for Oligodontia-cancer predisposition syndrome. Last evaluated: 2024-06-26. Review status: criteria provided, single submitter. Criteria: Myriad Autosomal Dominant, Autosomal Recessive and X-Linked Classification Criteria (2023). Collection method: clinical testing. Allele origin: unknown.
Comment: This variant is considered benign. This variant is a silent/synonymous amino acid change and it is not expected to impact splicing.

NM_004655.4(AXIN2):c.474A>G (p.Arg158=)

Gene: AXIN2 (axin 2; minus strand). Cytogenetic location: 17q24.1.
Variant type: single nucleotide variant.
Coding change: c.474A>G on transcript NM_004655.4 (MANE Select); coding-DNA position 474, A replaced by G.
Protein change: p.Arg158=; no amino-acid change (arginine 158 retained).
Molecular consequence: synonymous variant.
Genome position (GRCh38, 1-based): chr17:65,558,147, T>C on the plus strand (A>G on the coding strand, the complement: AXIN2 is on the minus strand). VCF-style: chr17-65558147-T-C. GRCh37 (hg19) VCF-style: chr17-63554265-T-C.
Other names: c.474A>G, p.Arg158= (NM_001363813.1).
Identifiers: ClinVar variation 3254238 (VCV003254238.1), dbSNP rs2544250406.